The following is an entry in ClinVar:

ClinVar aggregate classification (germline): Uncertain significance. Review status: criteria provided, multiple submitters, no conflicts (2 of 4 stars). 3 submissions from 3 submitters: Uncertain significance (3). Last evaluated 2025-07-01.

Conditions:
Inborn genetic diseases. Identifiers: MedGen C0950123, MeSH D030342.

Allele frequency attached by ClinVar (database versions not stated): gnomAD exomes 0.00001 and 0.00002; 1000 Genomes Project 0.00020; 1000 Genomes Project 30x 0.00031.
gnomAD v4.1: 38 of 1,614,234 alleles (0.0024%); highest among the groups gnomAD compares: Admixed American, 0.038%; no homozygotes.

Submissions (3):

GeneDx
Classification: Uncertain significance. Last evaluated: 2025-07-01. Review status: criteria provided, single submitter. Criteria: GeneDx Variant Classification Process June 2021. Collection method: clinical testing. Allele origin: germline. Affected: yes.
Comment: Has not been previously published as pathogenic or benign to our knowledge; In silico analysis suggests that this missense variant does not alter protein structure/function

Labcorp Genetics (formerly Invitae), Labcorp
Classification: Uncertain significance. Last evaluated: 2025-01-06. Review status: criteria provided, single submitter. Criteria: Invitae Variant Classification Sherloc (09022015). Collection method: clinical testing. Allele origin: germline.
Comment: This sequence change replaces asparagine, which is neutral and polar, with tyrosine, which is neutral and polar, at codon 118 of the TAB2 protein (p.Asn118Tyr). This variant is present in population databases (rs201716223, gnomAD 0.009%). This variant has not been reported in the literature in individuals affected with TAB2-related conditions. ClinVar contains an entry for this variant (Variation ID: 1368867). Invitae Evidence Modeling of protein sequence and biophysical properties (such as structural, functional, and spatial information, amino acid conservation, physicochemical variation, residue mobility, and thermodynamic stability) indicates that this missense variant is not expected to disrupt TAB2 protein function with a negative predictive value of 80%. In summary, the available evidence is currently insufficient to determine the role of this variant in disease. Therefore, it has been classified as a Variant of Uncertain Significance.

Ambry Genetics
Classification: Uncertain significance for Inborn genetic diseases. Last evaluated: 2023-11-03. Review status: criteria provided, single submitter. Criteria: Ambry Variant Classification Scheme 2023. Collection method: clinical testing. Allele origin: germline.

NM_001292034.3(TAB2):c.352A>T (p.Asn118Tyr)

Gene: TAB2 (TGF-beta activated kinase 1 (MAP3K7) binding protein 2; plus strand). Cytogenetic location: 6q25.1.
Variant type: single nucleotide variant.
Coding change: c.352A>T on transcript NM_001292034.3 (MANE Select); coding-DNA position 352, A replaced by T.
Protein change: p.Asn118Tyr; replaces asparagine 118 with tyrosine.
Molecular consequence: missense variant.
Genome position (GRCh38, 1-based): chr6:149,378,267, A>T. VCF-style: chr6-149378267-A-T. GRCh37 (hg19) VCF-style: chr6-149699403-A-T.
Other names: c.352A>T (NM_015093.4); c.256A>T, p.Asn86Tyr (NM_001292035.3); c.352A>T, p.Asn118Tyr (NM_001369506.1, NM_015093.6); short protein forms N118Y, N86Y.
Identifiers: ClinVar variation 1368867 (VCV001368867.7), dbSNP rs201716223, ClinGen allele CA149915888.